The following is an entry in ClinVar:

NM_001372.4(DNAH9):c.6223C>T (p.Arg2075Trp)

Gene: DNAH9 (dynein axonemal heavy chain 9; plus strand). Cytogenetic location: 17p12.
Variant type: single nucleotide variant.
Coding change: c.6223C>T on transcript NM_001372.4 (MANE Select); coding-DNA position 6223, C replaced by T.
Protein change: p.Arg2075Trp; replaces arginine 2075 with tryptophan.
Molecular consequence: missense variant.
Genome position (GRCh38, 1-based): chr17:11,744,908, C>T. VCF-style: chr17-11744908-C-T. GRCh37 (hg19) VCF-style: chr17-11648225-C-T.
Other names: short protein forms R2075W.
Identifiers: ClinVar variation 1433883 (VCV001433883.3), dbSNP rs145963208, ClinGen allele CA8396250.

ClinVar aggregate classification (germline): Uncertain significance (1 of 4 stars; one submission).

Allele frequency attached by ClinVar (database versions not stated): 1000 Genomes Project 30x 0.00016; ESP Exome Variant Server 0.00023.
gnomAD v4.1: 160 of 1,614,110 alleles (0.0099%); highest among the groups gnomAD compares: Admixed American, 0.015%; no homozygotes.

Submission:

Labcorp Genetics (formerly Invitae), Labcorp
Classification: Uncertain significance. Last evaluated: 2022-08-31. Review status: criteria provided, single submitter. Criteria: Invitae Variant Classification Sherloc (09022015). Collection method: clinical testing. Allele origin: germline.
Comment: This sequence change replaces arginine, which is basic and polar, with tryptophan, which is neutral and slightly polar, at codon 2075 of the DNAH9 protein (p.Arg2075Trp). This variant is present in population databases (rs145963208, gnomAD 0.02%). This variant has not been reported in the literature in individuals affected with DNAH9-related conditions. ClinVar contains an entry for this variant (Variation ID: 1433883). Algorithms developed to predict the effect of missense changes on protein structure and function are either unavailable or do not agree on the potential impact of this missense change (SIFT: "Deleterious"; PolyPhen-2: "Probably Damaging"; Align-GVGD: "Class C0"). In summary, the available evidence is currently insufficient to determine the role of this variant in disease. Therefore, it has been classified as a Variant of Uncertain Significance.